The following is an entry in ClinVar:

NM_002878.4(RAD51D):c.739G>T (p.Val247Leu)

Genes: RAD51D (RAD51 paralog D; minus strand), RAD51L3-RFFL (RAD51L3-RFFL readthrough; minus strand). Cytogenetic location: 17q12.
Variant type: single nucleotide variant.
Coding change: c.739G>T on transcript NM_002878.4 (MANE Select); coding-DNA position 739, G replaced by T.
Protein change: p.Val247Leu; replaces valine 247 with leucine.
Molecular consequence: missense variant. On other transcripts: non-coding transcript variant (3).
Genome position (GRCh38, 1-based): chr17:35,101,365, C>A on the plus strand (G>T on the coding strand, the complement: RAD51D is on the minus strand). VCF-style: chr17-35101365-C-A. GRCh37 (hg19) VCF-style: chr17-33428384-C-A.
Other names: c.799G>T, p.Val267Leu (NM_001142571.2); c.403G>T, p.Val135Leu (NM_133629.3); short protein forms V247L, V135L, V267L.
Identifiers: ClinVar variation 629589 (VCV000629589.7), dbSNP rs1060502952, ClinGen allele CA399086992.

ClinVar aggregate classification (germline): Uncertain significance. Review status: criteria provided, multiple submitters, no conflicts (2 of 4 stars). 3 submissions from 3 submitters: Uncertain significance (3). Last evaluated 2025-11-09.

Conditions:
Breast-ovarian cancer, familial, susceptibility to, 4. Identifiers: Orphanet 145, MedGen C3280345, MONDO:0013669, OMIM 614291.
Hereditary cancer-predisposing syndrome. Also called: Neoplastic Syndromes, Hereditary; Tumor predisposition; Hereditary neoplastic syndrome; Hereditary Cancer Syndrome. Identifiers: Orphanet 140162, MedGen C0027672, MeSH D009386, MONDO:0015356.

gnomAD v4.1: 1 of 1,613,500 alleles (0.000062%); highest among the groups gnomAD compares: Non-Finnish European, 0.000085%; no homozygotes.

Submissions (3):

Labcorp Genetics (formerly Invitae), Labcorp
Classification: Uncertain significance for Breast-ovarian cancer, familial, susceptibility to, 4. Last evaluated: 2025-11-09. Review status: criteria provided, single submitter. Criteria: Invitae Variant Classification Sherloc (09022015). Collection method: clinical testing. Allele origin: germline.
Comment: This sequence change replaces valine, which is neutral and non-polar, with leucine, which is neutral and non-polar, at codon 247 of the RAD51D protein (p.Val247Leu). This variant is not present in population databases (gnomAD no frequency). This missense change has been observed in individual(s) with personal or family history of breast and/or ovarian cancer (PMID: 26534844). ClinVar contains an entry for this variant (Variation ID: 629589). An algorithm developed to predict the effect of missense changes on protein structure and function (PolyPhen-2) suggests that this variant is likely to be tolerated. Studies have shown that this missense change is associated with inconclusive levels of altered splicing (internal data). In summary, the available evidence is currently insufficient to determine the role of this variant in disease. Therefore, it has been classified as a Variant of Uncertain Significance.

Ambry Genetics
Classification: Uncertain significance for Hereditary cancer-predisposing syndrome. Last evaluated: 2023-08-10. Review status: criteria provided, single submitter. Criteria: Ambry Variant Classification Scheme 2023. Collection method: clinical testing. Allele origin: germline.
Comment: The p.V247L variant (also known as c.739G>T) is located in coding exon 9 of the RAD51D gene. The valine at codon 247 is replaced by leucine, an amino acid with highly similar properties. This change occurs in the first base pair of coding exon 9. This alteration has been identified in high-risk non-BRCA1/2 family (Li J et al. J. Med. Genet., 2016 Jan;53:34-42). This amino acid position is highly conserved in available vertebrate species. In addition, the in silico prediction for this alteration is inconclusive. Since supporting evidence is limited at this time, the clinical significance of this alteration remains unclear.

Color Diagnostics, LLC DBA Color Health
Classification: Uncertain significance for Hereditary cancer-predisposing syndrome. Last evaluated: 2019-04-24. Review status: criteria provided, single submitter. Criteria: ACMG Guidelines, 2015. Collection method: clinical testing. Allele origin: germline.

Literature cited by the submitters: PubMed 26534844 (cited by Labcorp Genetics (formerly Invitae), Labcorp and Ambry Genetics).